The following is an entry in ClinVar:

NM_007294.4(BRCA1):c.1209_1210del (p.Glu404fs)

Gene: BRCA1 (BRCA1 DNA repair associated; minus strand). Cytogenetic location: 17q21.31.
Variant type: Deletion.
Coding change: c.1209_1210del on transcript NM_007294.4 (MANE Select); coding-DNA positions 1209 to 1210, 2 bases deleted (TG; older notation c.1209_1210delTG).
Protein change: p.Glu404fs; shifts the reading frame from glutamic acid 404.
Molecular consequence: frameshift variant. On other transcripts: intron variant (137).
Genome position (GRCh38, 1-based): chr17:43,094,321-43,094,322, CA deleted on the plus strand (TG on the coding strand, the reverse complement: BRCA1 is on the minus strand). VCF-style (leftmost placement, unchanged base first): chr17-43094320-TCA-T. GRCh37 (hg19) VCF-style: chr17-41246337-TCA-T.
Other names: 1328_1329delTG; c.999_1000del, p.Glu334fs (NM_001407904.1, NM_001407906.1, NM_001407907.1 and 13 more transcripts); c.945_946del, p.Glu316fs (NM_001407923.1, NM_001407924.1, NM_001407925.1 and 9 more transcripts); c.942_943del, p.Glu315fs (NM_001407930.1, NM_001407931.1, NM_001407932.1 and 2 more transcripts); c.1083_1084del, p.Glu362fs (NM_001407941.1, NM_001407673.1, NM_001407691.1 and 11 more transcripts); c.1068_1069del, p.Glu357fs (NM_001407942.1, NM_001407944.1, NM_001407945.1 and 29 more transcripts); c.1065_1066del, p.Glu356fs (NM_001407943.1, NM_001407964.1, NM_001407740.1 and 20 more transcripts); c.876_877del, p.Glu293fs (NM_001407946.1, NM_001407947.1, NM_001407948.1 and 6 more transcripts); and 42 more; short protein forms E404fs, E357fs, E276fs, E293fs, E316fs, E336fs, E403fs, E292fs.
Identifiers: ClinVar variation 266143 (VCV000266143.6), dbSNP rs886039932, ClinGen allele CA10589960.
Genomic context (GRCh38, chr17:43,094,320, plus strand): 5'-CCAGAATATTCATCTACCTCATTTAGAACGTCCAATACATCAGCTACTTTGGCATTTGAT[TCA>T]GACTCCCCATCATGTGAGTCATCAGAACCTAACAGTTCATCACTTCTGGAAAACCACTCA-3'

ClinVar aggregate classification (germline): Pathogenic. Review status: reviewed by expert panel (3 of 4 stars). 2 submissions from 2 submitters: Pathogenic (1). 1 of the submissions does not count toward it. Last evaluated 2016-10-18.

Conditions:
Breast-ovarian cancer, familial, susceptibility to, 1 (BROVCA1). Also called: BRCA1 Hereditary Breast and Ovarian Cancer; OVARIAN CANCER, SUSCEPTIBILITY TO. Identifiers: Orphanet 145, MedGen C2676676, MONDO:0011450, OMIM 604370. Disease mechanism: loss of function.

Submissions (2):

Evidence-based Network for the Interpretation of Germline Mutant Alleles (ENIGMA)
Classification: Pathogenic for Breast-ovarian cancer, familial, susceptibility to, 1. Last evaluated: 2016-10-18. Review status: reviewed by expert panel. Criteria: ENIGMA BRCA1/2 Classification Criteria (2015). Collection method: curation. Allele origin: germline.
Comment: Variant allele predicted to encode a truncated non-functional protein.

Consortium of Investigators of Modifiers of BRCA1/2 (CIMBA), c/o University of Cambridge
Classification: Pathogenic for Breast-ovarian cancer, familial, susceptibility to, 1. Last evaluated: 2015-10-02. Review status: criteria provided, single submitter. Criteria: CIMBA Mutation Classification guidelines May 2016. Collection method: clinical testing. Allele origin: germline. Not counted in ClinVar's aggregate classification.